The following is an entry in ClinVar:

NM_000059.4(BRCA2):c.6125A>C (p.Gln2042Pro)

Gene: BRCA2 (BRCA2 DNA repair associated; plus strand). Cytogenetic location: 13q13.1.
Variant type: single nucleotide variant.
Coding change: c.6125A>C on transcript NM_000059.4 (MANE Select); coding-DNA position 6125, A replaced by C.
Protein change: p.Gln2042Pro; replaces glutamine 2042 with proline.
Molecular consequence: missense variant.
Genome position (GRCh38, 1-based): chr13:32,340,480, A>C. VCF-style: chr13-32340480-A-C. GRCh37 (hg19) VCF-style: chr13-32914617-A-C.
Other names: 6353A>C; short protein forms Q2042P.
Identifiers: ClinVar variation 38018 (VCV000038018.29), dbSNP rs80358852, ClinGen allele CA023678.

ClinVar aggregate classification (germline): Conflicting classifications of pathogenicity. Review status: criteria provided, conflicting classifications (1 of 4 stars). 14 submissions from 14 submitters: Uncertain significance (7); Benign (2); Likely benign (2). 3 of the submissions do not count toward it. Last evaluated 2025-12-31.

Conditions:
BRCA2-related cancer predisposition. Identifiers: MedGen CN377758, MONDO:0700269.
Hereditary cancer-predisposing syndrome. Also called: Tumor predisposition; Neoplastic Syndromes, Hereditary; Hereditary neoplastic syndrome; Hereditary Cancer Syndrome. Identifiers: Orphanet 140162, MedGen C0027672, MeSH D009386, MONDO:0015356.
Hereditary breast ovarian cancer syndrome. Also called: Hereditary breast and ovarian cancer; Hereditary breast and ovarian cancer syndrome (HBOC); Hereditary breast and/or ovarian cancer syndrome; Breast and ovarian cancer; Hereditary breast and ovarian cancer syndrome; BRCA1- and BRCA2-Associated Hereditary Breast and Ovarian Cancer. Identifiers: Orphanet 145, MedGen C0677776, MeSH D061325, MONDO:0003582. Disease mechanism: loss of function.
Breast-ovarian cancer, familial, susceptibility to, 2 (BROVCA2). Also called: BRCA2 Hereditary Breast and Ovarian Cancer. Identifiers: Orphanet 145, MedGen C2675520, MONDO:0012933, OMIM 612555. Disease mechanism: loss of function.

Allele frequency attached by ClinVar (database versions not stated): TOPMed 0.00002.
gnomAD v4.1: 5 of 1,613,516 alleles (0.00031%); highest among the groups gnomAD compares: African/African-American, 0.0067%; no homozygotes.

Submissions (14):

Labcorp Genetics (formerly Invitae), Labcorp
Classification: Likely benign for Hereditary breast ovarian cancer syndrome. Last evaluated: 2025-12-31. Review status: criteria provided, single submitter. Criteria: Invitae Variant Classification Sherloc (09022015). Collection method: clinical testing. Allele origin: germline.

Myriad Genetics, Inc.
Classification: Benign for Breast-ovarian cancer, familial, susceptibility to, 2. Last evaluated: 2025-07-15. Review status: criteria provided, single submitter. Criteria: Myriad Autosomal Dominant, Autosomal Recessive and X-Linked Classification Criteria (2023). Collection method: clinical testing. Allele origin: unknown.
Comment: This variant is considered benign. This variant is strongly associated with less severe personal and family histories of cancer, typical for individuals without pathogenic variants in this gene [PMID: 25085752]. This variant has been observed in trans with a known pathogenic variant in one or more individuals lacking clinical features consistent with gene-specific recessive disease.

Color Diagnostics, LLC DBA Color Health
Classification: Uncertain significance for Hereditary cancer-predisposing syndrome. Last evaluated: 2025-07-07. Review status: criteria provided, single submitter. Criteria: ACMG Guidelines, 2015. Collection method: clinical testing. Allele origin: germline.
Comment: This missense variant replaces glutamine with proline at codon 2042 of the BRCA2 protein. Computational prediction suggests that this variant may not impact protein structure and function. To our knowledge, functional studies have not been reported for this variant. This variant has been reported in an individual affected with breast cancer (PMID: 30555256). This variant has been identified in 2/282338 chromosomes in the general population by the Genome Aggregation Database (gnomAD). The available evidence is insufficient to determine the role of this variant in disease conclusively. Therefore, this variant is classified as a Variant of Uncertain Significance.

GeneDx
Classification: Uncertain significance. Last evaluated: 2024-12-05. Review status: criteria provided, single submitter. Criteria: GeneDx Variant Classification Process June 2021. Collection method: clinical testing. Allele origin: germline. Affected: yes.
Comment: In silico analysis indicates that this missense variant does not alter protein structure/function; Observed in an individual with breast cancer (PMID: 30555256); Also known as 6353A>C; This variant is associated with the following publications: (PMID: Ahamad2020[article], 29884841, 31911673, 32377563, 30555256)

Quest Diagnostics Nichols Institute San Juan Capistrano
Classification: Uncertain significance. Last evaluated: 2024-11-29. Review status: criteria provided, single submitter. Criteria: Quest Diagnostics criteria. Collection method: clinical testing. Allele origin: unknown.
Comment: The BRCA2 c.6125A>C (p.Gln2042Pro) variant has been reported in the published literature in an individual with breast and/or ovarian cancer (PMID: 30555256 (2018)), and described to be located in a region of the BRCA2 gene that is tolerant to missense sequence changes (PMID: 31911673 (2020)). The frequency of this variant in the general population, 0.0000071 (2/282338 chromosomes (Genome Aggregation Database)), is uninformative in the assessment of its pathogenicity. Analysis of this variant using bioinformatics tools for the prediction of the effect of amino acid changes on protein structure and function yielded predictions that this variant is benign. Based on the available information, we are unable to determine the clinical significance of this variant.

All of Us Research Program, National Institutes of Health
Classification: Uncertain significance for BRCA2-related cancer predisposition. Last evaluated: 2024-03-05. Review status: criteria provided, single submitter. Criteria: ACMG Guidelines, 2015. Collection method: clinical testing. Allele origin: germline. Inheritance: Autosomal dominant inheritance. Observed: 2 variant alleles, 2 heterozygotes.
Comment: This missense variant replaces glutamine with proline at codon 2042 of the BRCA2 protein. Computational prediction suggests that this variant may not impact protein structure and function (internally defined REVEL score threshold <= 0.5, PMID: 27666373). To our knowledge, functional studies have not been reported for this variant. This variant has been reported in an individual affected with breast cancer (PMID: 30555256). This variant has been identified in 2/282338 chromosomes in the general population by the Genome Aggregation Database (gnomAD). The available evidence is insufficient to determine the role of this variant in disease conclusively. Therefore, this variant is classified as a Variant of Uncertain Significance.

This study involves interpretation of variants in research participants for the purpose of population health screening. Participant phenotype was not available at the time of variant classification. Additional details can be found in publication PMID: 35346344, PMCID: PMC8962531

Women's Health and Genetics/Laboratory Corporation of America, LabCorp
Classification: Uncertain significance. Last evaluated: 2023-08-29. Review status: criteria provided, single submitter. Criteria: LabCorp Variant Classification Summary - May 2015. Collection method: clinical testing. Allele origin: germline.
Comment: Variant summary: BRCA2 c.6125A>C (p.Gln2042Pro) results in a non-conservative amino acid change in the encoded protein sequence. Four of five in-silico tools predict a benign effect of the variant on protein function. The variant was absent in 250934 control chromosomes. The available data on variant occurrences in the general population are insufficient to allow any conclusion about variant significance. c.6125A>C has been reported in the literature as a class 3 (VUS) variant in at-least one individual with breast/ovarian cancer (example, Mehta_2018). These report(s) do not provide unequivocal conclusions about association of the variant with Hereditary Breast And Ovarian Cancer Syndrome. To our knowledge, no experimental evidence demonstrating an impact on protein function has been reported. The following publication have been ascertained in the context of this evaluation (PMID: 30555256). Seven submitters have cited clinical-significance assessments for this variant to ClinVar after 2014 (Benign/Likely benign, n=2, VUS, n=5). Based on the evidence outlined above, the variant was classified as uncertain significance.

University of Washington Department of Laboratory Medicine, University of Washington
Classification: Likely benign for Hereditary cancer-predisposing syndrome. Last evaluated: 2023-03-23. Review status: criteria provided, single submitter. Criteria: Dines et al. (Genet Med. 2020). Collection method: curation. Allele origin: germline.
Comment: Missense variant in a coldspot region where missense variants are very unlikely to be pathogenic (PMID:31911673).

BRCA2 exon 11 coldspot. Reclassification based on statistical prior probability.

Mendelics
Classification: Uncertain significance for Hereditary breast and ovarian cancer syndrome. Last evaluated: 2018-07-02. Review status: criteria provided, single submitter. Criteria: Mendelics Assertion Criteria 2017. Collection method: clinical testing. Allele origin: unknown.

Ambry Genetics
Classification: Benign for Hereditary cancer-predisposing syndrome. Last evaluated: 2016-07-18. Review status: criteria provided, single submitter. Criteria: Ambry Variant Classification Scheme 2023. Collection method: clinical testing. Allele origin: germline.

Genomic Diagnostic Laboratory, Division of Genomic Diagnostics, Children's Hospital of Philadelphia
Classification: Uncertain significance for Hereditary Breast and Ovarian Cancer. Last evaluated: 2015-06-08. Review status: criteria provided, single submitter. Criteria: DGD Variant Analysis Guidelines. Collection method: clinical testing. Allele origin: unknown.

Counsyl
Classification: Uncertain significance for Breast-ovarian cancer, familial, susceptibility to, 2. Last evaluated: 2016-03-02. Review status: no assertion criteria provided. Collection method: clinical testing. Allele origin: unknown. Not counted in ClinVar's aggregate classification.

Sharing Clinical Reports Project (SCRP)
Classification: Uncertain significance for Breast-ovarian cancer, familial 2. Last evaluated: 2013-07-25. Review status: no assertion criteria provided. Collection method: clinical testing. Allele origin: germline. Not counted in ClinVar's aggregate classification.

Breast Cancer Information Core (BIC) (BRCA2)
Classification: Uncertain significance for Breast-ovarian cancer, familial 2. Last evaluated: 2000-06-12. Review status: no assertion criteria provided. Collection method: clinical testing. Allele origin: germline. Affected: yes. Observed: 2 variant alleles. Not counted in ClinVar's aggregate classification.

Literature cited by the submitters: PubMed 25085752 (cited by Myriad Genetics, Inc.); PubMed 30555256 (cited by 4 submitters); PubMed 31911673 (cited by Quest Diagnostics Nichols Institute San Juan Capistrano).